The following is an entry in ClinVar:

ClinVar aggregate classification (germline): Pathogenic (1 of 4 stars; one submission).

Conditions:
Abetalipoproteinaemia (ABL). Also called: MTP DEFICIENCY; Abetalipoproteinemia; Abetalipoproteinemia neuropathy; Apolipoprotein B deficiency; Congenital betalipoprotein deficiency syndrome. Identifiers: Orphanet 14, MedGen C0000744, MONDO:0008692, OMIM 200100, HP:0008181.

Submission:

Myriad Genetics, Inc.
Classification: Pathogenic for Abetalipoproteinaemia. Last evaluated: 2024-05-14. Review status: criteria provided, single submitter. Criteria: Myriad Autosomal Dominant, Autosomal Recessive and X-Linked Classification Criteria (2023). Collection method: clinical testing. Allele origin: unknown.
Comment: NM_000253.2(MTTP):c.452_453ins5(A153Vfs*10) is expected to be pathogenic in the context of abetalipoproteinemia. This variant is predicted to lead to an abnormal or absent protein product due to the creation of a premature termination codon in MTTP, a gene where loss-of-function variants are known to be pathogenic. Please note: this variant was assessed in the context of healthy population screening.

NM_001386140.1(MTTP):c.452_453insCCTTG (p.Ala153fs)

Gene: MTTP (microsomal triglyceride transfer protein; plus strand). Cytogenetic location: 4q23.
Variant type: Insertion.
Coding change: c.452_453insCCTTG on transcript NM_001386140.1 (MANE Select); coding-DNA positions 452 to 453, CCTTG inserted.
Protein change: p.Ala153fs; shifts the reading frame from alanine 153.
Molecular consequence: frameshift variant.
Genome position: GRCh38 VCF-style: chr4-99589700-G-GGCCTT. GRCh37 (hg19) VCF-style: chr4-100510857-G-GGCCTT.
Other names: c.452_453insCCTTG, p.Ala153fs (NM_000253.4); c.203_204insCCTTG, p.Ala70fs (NM_001300785.2); short protein forms A153fs, A70fs.
Identifiers: ClinVar variation 5010872 (VCV005010872.1).